The following is an entry in ClinVar:

ClinVar aggregate classification (germline): Conflicting classifications of pathogenicity. Review status: criteria provided, conflicting classifications (1 of 4 stars). 2 submissions from 2 submitters: Likely pathogenic (1); Uncertain significance (1). Last evaluated 2020-12-30.

Conditions:
Maturity-onset diabetes of the young (MODY). Also called: Maturity onset diabetes mellitus in young. Identifiers: Orphanet 552, MedGen C0342276, MONDO:0018911, HP:0004904.

Allele frequency attached by ClinVar (database versions not stated): gnomAD 0.00001; TOPMed 0.00001; ESP Exome Variant Server 0.00015.

Submissions (2):

Women's Health and Genetics/Laboratory Corporation of America, LabCorp
Classification: Uncertain significance. Last evaluated: 2020-12-30. Review status: criteria provided, single submitter. Criteria: LabCorp Variant Classification Summary - May 2015. Collection method: clinical testing. Allele origin: germline.
Comment: Variant summary: HNF1A c.1243G>A (p.Gly415Arg) results in a non-conservative amino acid change located in the Hepatocyte nuclear factor 1, beta isoform, C-terminal domain (IPR006897) of the encoded protein sequence. Five of five in-silico tools predict a damaging effect of the variant on protein function. The variant allele was found at a frequency of 1.2e-05 in 251224 control chromosomes (gnomAD). c.1243G>A has been reported in the literature in at least one individual affected with Maturity Onset Diabetes Of The Young 3 (e.g. Flannick_2013). In addition, p.Gly415Arg (c. name not specified) has been reported in at least one individual diagnosed with Type I Diabetes Mellitus (e.g. Yoshiuchi_1999). These reports do not provide unequivocal conclusions about association of the variant with Maturity Onset Diabetes Of The Young 3. At least one publication reports experimental evidence evaluating an impact on protein function, indicating that the variant protein has reduced levels of transactivation and DNA-binding activities (e.g. Yoshiuchi_1999). No clinical diagnostic laboratories have submitted clinical-significance assessments for this variant to ClinVar after 2014. Based on the evidence outlined above, the variant was classified as VUS-possibly pathogenic.

Clinical Genomics, Uppaluri K&H Personalized Medicine Clinic
Classification: Likely pathogenic for Maturity-onset diabetes of the young. Review status: criteria provided, single submitter. Criteria: K & H Uppaluri Personalized Medicine Clinic Variant Classification & Assertion Criteria_Updated V.1. Collection method: research. Allele origin: unknown. Inheritance: Autosomal dominant inheritance.
Comment: Mutations in HNF1A gene can predispose to MODY3. It is associated with both micro and macrovascular complications of diabetes, especially cardiovascular complications. Associated with glucosuria. May respond well to sulfonylureas. However, more evidence is required to confer the association of this particular variant rs368683806 with MODY3.

Literature cited by the submitters: PubMed 10333057 (cited by Women's Health and Genetics/Laboratory Corporation of America, LabCorp); PubMed 11463573 (cited by Women's Health and Genetics/Laboratory Corporation of America, LabCorp); PubMed 16917892 (cited by Women's Health and Genetics/Laboratory Corporation of America, LabCorp); PubMed 24097065 (cited by Women's Health and Genetics/Laboratory Corporation of America, LabCorp); PubMed 24905847 (cited by Women's Health and Genetics/Laboratory Corporation of America, LabCorp); PubMed 11904371 (cited by Women's Health and Genetics/Laboratory Corporation of America, LabCorp); PubMed 17919177 (cited by Women's Health and Genetics/Laboratory Corporation of America, LabCorp); PubMed 14614204 (cited by Women's Health and Genetics/Laboratory Corporation of America, LabCorp); PubMed 31517624 (cited by Clinical Genomics, Uppaluri K&H Personalized Medicine Clinic); PubMed 32395877 (cited by Clinical Genomics, Uppaluri K&H Personalized Medicine Clinic); PubMed 35328643 (cited by Clinical Genomics, Uppaluri K&H Personalized Medicine Clinic); PubMed 35673428 (cited by Clinical Genomics, Uppaluri K&H Personalized Medicine Clinic).

NM_000545.8(HNF1A):c.1243G>A (p.Gly415Arg)

Gene: HNF1A (HNF1 homeobox A; plus strand). Cytogenetic location: 12q24.31.
Variant type: single nucleotide variant.
Coding change: c.1243G>A on transcript NM_000545.8 (MANE Select); coding-DNA position 1243, G replaced by A.
Protein change: p.Gly415Arg; replaces glycine 415 with arginine.
Molecular consequence: missense variant.
Genome position (GRCh38, 1-based): chr12:120,996,676, G>A. VCF-style: chr12-120996676-G-A. GRCh37 (hg19) VCF-style: chr12-121434479-G-A.
Other names: c.1243G>A, p.Gly415Arg (NM_001306179.2); short protein forms G415R.
Identifiers: ClinVar variation 992219 (VCV000992219.2), dbSNP rs368683806, ClinGen allele CA6831974.